The following is an entry in ClinVar:

NM_004565.3(PEX14):c.568G>A (p.Glu190Lys)

Genes: PEX14 (peroxisomal biogenesis factor 14; plus strand), LOC126805616 (CDK7 strongly-dependent group 2 enhancer GRCh37_chr1:10683990-10685189; plus strand). Cytogenetic location: 1p36.22.
Variant type: single nucleotide variant.
Coding change: c.568G>A on transcript NM_004565.3 (MANE Select); coding-DNA position 568, G replaced by A.
Protein change: p.Glu190Lys; replaces glutamic acid 190 with lysine.
Molecular consequence: missense variant.
Genome position (GRCh38, 1-based): chr1:10,624,420, G>A. VCF-style: chr1-10624420-G-A. GRCh37 (hg19) VCF-style: chr1-10684477-G-A.
Other names: c.568G>A (NM_004565.2); short protein forms E190K.
Identifiers: ClinVar variation 1479047 (VCV001479047.6), dbSNP rs144362955, ClinGen allele CA583890.

ClinVar aggregate classification (germline): Uncertain significance. Review status: criteria provided, multiple submitters, no conflicts (2 of 4 stars). 2 submissions from 2 submitters: Uncertain significance (2). Last evaluated 2025-10-09.

Conditions:
Peroxisome biogenesis disorder, complementation group K (CGK). Identifiers: MedGen C1866257, MONDO:0800365.
Inborn genetic diseases. Identifiers: MedGen C0950123, MeSH D030342.

Allele frequency attached by ClinVar (database versions not stated): gnomAD exomes 0.00001 and 0.00002; ExAC 0.00002; TOPMed 0.00002; ESP Exome Variant Server 0.00008.
gnomAD v4.1: 11 of 1,611,528 alleles (0.00068%); highest among the groups gnomAD compares: South Asian, 0.0077%; no homozygotes.

Submissions (2):

Labcorp Genetics (formerly Invitae), Labcorp
Classification: Uncertain significance for Peroxisome biogenesis disorder, complementation group K. Last evaluated: 2025-10-09. Review status: criteria provided, single submitter. Criteria: Invitae Variant Classification Sherloc (09022015). Collection method: clinical testing. Allele origin: germline.
Comment: This sequence change replaces glutamic acid, which is acidic and polar, with lysine, which is basic and polar, at codon 190 of the PEX14 protein (p.Glu190Lys). This variant is present in population databases (rs144362955, gnomAD 0.01%). This variant has not been reported in the literature in individuals affected with PEX14-related conditions. ClinVar contains an entry for this variant (Variation ID: 1479047). Invitae Evidence Modeling of protein sequence and biophysical properties (such as structural, functional, and spatial information, amino acid conservation, physicochemical variation, residue mobility, and thermodynamic stability) has been performed for this missense variant. However, the output from this modeling did not meet the statistical confidence thresholds required to predict the impact of this variant on PEX14 protein function. In summary, the available evidence is currently insufficient to determine the role of this variant in disease. Therefore, it has been classified as a Variant of Uncertain Significance.

Ambry Genetics
Classification: Uncertain significance for Inborn genetic diseases. Last evaluated: 2025-05-07. Review status: criteria provided, single submitter. Criteria: Ambry Variant Classification Scheme 2023. Collection method: clinical testing. Allele origin: germline.